The following is an entry in ClinVar:

ClinVar aggregate classification (germline): Conflicting classifications of pathogenicity. Review status: criteria provided, conflicting classifications (1 of 4 stars). 3 submissions from 3 submitters: Uncertain significance (2); Likely benign (1). Last evaluated 2024-02-15.

Conditions:
Hereditary cancer-predisposing syndrome. Also called: Neoplastic Syndromes, Hereditary; Tumor predisposition; Hereditary neoplastic syndrome; Hereditary Cancer Syndrome. Identifiers: Orphanet 140162, MedGen C0027672, MeSH D009386, MONDO:0015356.
Familial cancer of breast. Also called: BREAST CANCER, FAMILIAL; hereditary breast carcinoma; Hereditary breast cancer. Identifiers: Orphanet 227535, MedGen C0346153, MONDO:0016419, OMIM 114480. Disease mechanism: loss of function.

Allele frequency attached by ClinVar (database versions not stated): TOPMed below 0.00001.

Submissions (3):

Labcorp Genetics (formerly Invitae), Labcorp
Classification: Uncertain significance for Familial cancer of breast. Last evaluated: 2024-02-15. Review status: criteria provided, single submitter. Criteria: Invitae Variant Classification Sherloc (09022015). Collection method: clinical testing. Allele origin: germline.
Comment: This sequence change replaces cysteine, which is neutral and slightly polar, with phenylalanine, which is neutral and non-polar, at codon 882 of the PALB2 protein (p.Cys882Phe). This variant is not present in population databases (gnomAD no frequency). This variant has not been reported in the literature in individuals affected with PALB2-related conditions. ClinVar contains an entry for this variant (Variation ID: 581150). Advanced modeling of protein sequence and biophysical properties (such as structural, functional, and spatial information, amino acid conservation, physicochemical variation, residue mobility, and thermodynamic stability) performed at Invitae indicates that this missense variant is not expected to disrupt PALB2 protein function with a negative predictive value of 80%. In summary, the available evidence is currently insufficient to determine the role of this variant in disease. Therefore, it has been classified as a Variant of Uncertain Significance.

Color Diagnostics, LLC DBA Color Health
Classification: Uncertain significance for Hereditary cancer-predisposing syndrome. Last evaluated: 2020-01-30. Review status: criteria provided, single submitter. Criteria: ACMG Guidelines, 2015. Collection method: clinical testing. Allele origin: germline.
Comment: This missense variant replaces cysteine with phenylalanine at codon 882 of the PALB2 protein. Computational prediction suggests that this variant may not impact protein structure and function (internally defined REVEL score threshold <= 0.5, PMID: 27666373). Splice site prediction tools suggest that this variant may not impact RNA splicing. To our knowledge, functional studies have not been performed for this variant. This variant has not been reported in individuals affected with hereditary cancer in the literature. This variant has not been identified in the general population by the Genome Aggregation Database (gnomAD). The available evidence is insufficient to determine the role of this variant in disease conclusively. Therefore, this variant is classified as a Variant of Uncertain Significance.

Ambry Genetics
Classification: Likely benign for Hereditary cancer-predisposing syndrome. Last evaluated: 2019-11-14. Review status: criteria provided, single submitter. Criteria: Ambry Variant Classification Scheme 2023. Collection method: clinical testing. Allele origin: germline.

NM_024675.4(PALB2):c.2645G>T (p.Cys882Phe)

Gene: PALB2 (partner and localizer of BRCA2; minus strand). Cytogenetic location: 16p12.2.
Variant type: single nucleotide variant.
Coding change: c.2645G>T on transcript NM_024675.4 (MANE Select); coding-DNA position 2645, G replaced by T.
Protein change: p.Cys882Phe; replaces cysteine 882 with phenylalanine.
Molecular consequence: missense variant.
Genome position (GRCh38, 1-based): chr16:23,626,339, C>A on the plus strand (G>T on the coding strand, the complement: PALB2 is on the minus strand). VCF-style: chr16-23626339-C-A. GRCh37 (hg19) VCF-style: chr16-23637660-C-A.
Other names: short protein forms C882F.
Identifiers: ClinVar variation 581150 (VCV000581150.15), dbSNP rs45486906, ClinGen allele CA395122138.
Genomic context (GRCh38, chr16:23,626,339, plus strand): 5'-TCCAGAGCTTTCCAAAGAGAAACTACATCTTCGCAAGCAGTTATGATACATGGCTCTTTA[C>A]AACCGGCTCTTTCCCAAAACATGGCACTCACATCTACGGAACAGGAACCTGAAGGATTCT-3'
Protein context (NP_078951.2, residues 872-892): VSAMFWERAG[Cys882Phe]KEPCIITACE